The following is an entry in ClinVar:

NM_003640.5(ELP1):c.151-1G>A

Gene: ELP1 (elongator acetyltransferase complex subunit 1; minus strand). Cytogenetic location: 9q31.3.
Variant type: single nucleotide variant.
Coding change: c.151-1G>A on transcript NM_003640.5 (MANE Select); the canonical splice acceptor site of the intron before coding-DNA position 151, G replaced by A.
Molecular consequence: splice acceptor variant.
Genome position (GRCh38, 1-based): chr9:108,929,922, C>T on the plus strand (G>A on the coding strand, the complement: ELP1 is on the minus strand). VCF-style: chr9-108929922-C-T. GRCh37 (hg19) VCF-style: chr9-111692202-C-T.
Other names: c.-192-1G>A (NM_001318360.2); c.-709-1G>A (NM_001330749.2).
Identifiers: ClinVar variation 552705 (VCV000552705.5), dbSNP rs1554703613, ClinGen allele CA374394545.
Genomic context (GRCh38, chr9:108,929,922, plus strand): 5'-GCGGCCACTTCCATCCTCTGGGAGAAAGCCTTCTGCCACCAAAGAAACTTCATTTTTCAC[C>T]TTTCACCAAAGTAAACACAAGCAAATTAACCCAGTCTACTTTCAAGAATAATTGATAACA-3'

ClinVar aggregate classification (germline): Likely pathogenic. Review status: criteria provided, single submitter (1 of 4 stars). 2 submissions from 2 submitters: Likely pathogenic (1). 1 of the submissions does not count toward it. Last evaluated 2022-12-21.

Conditions:
Familial dysautonomia. Also called: FD; HSAN III. Identifiers: Orphanet 1764, MedGen C0013364, MONDO:0009131, OMIM 223900. Disease mechanism: loss of function.

Submissions (2):

Labcorp Genetics (formerly Invitae), Labcorp
Classification: Likely pathogenic. Last evaluated: 2022-12-21. Review status: criteria provided, single submitter. Criteria: Invitae Variant Classification Sherloc (09022015). Collection method: clinical testing. Allele origin: germline.
Comment: This sequence change affects an acceptor splice site in intron 2 of the ELP1 gene. It is expected to disrupt RNA splicing. Variants that disrupt the donor or acceptor splice site typically lead to a loss of protein function (PMID: 16199547), and loss-of-function variants in ELP1 are known to be pathogenic (PMID: 18303054, 24173031). This variant is not present in population databases (gnomAD no frequency). This variant has not been reported in the literature in individuals affected with ELP1-related conditions. ClinVar contains an entry for this variant (Variation ID: 552705). Algorithms developed to predict the effect of sequence changes on RNA splicing suggest that this variant may disrupt the consensus splice site. In summary, the currently available evidence indicates that the variant is pathogenic, but additional data are needed to prove that conclusively. Therefore, this variant has been classified as Likely Pathogenic.

Counsyl
Classification: Likely pathogenic for Familial dysautonomia. Last evaluated: 2017-06-30. Review status: no assertion criteria provided. Collection method: clinical testing. Allele origin: unknown. Not counted in ClinVar's aggregate classification.

Literature cited by the submitters: PubMed 16199547 (cited by Labcorp Genetics (formerly Invitae), Labcorp); PubMed 18303054 (cited by Labcorp Genetics (formerly Invitae), Labcorp); PubMed 24173031 (cited by Labcorp Genetics (formerly Invitae), Labcorp).